The following is an entry in ClinVar:

ClinVar aggregate classification (germline): Uncertain significance (1 of 4 stars; one submission).

Conditions:
Inborn genetic diseases. Identifiers: MedGen C0950123, MeSH D030342.

Submission:

Ambry Genetics
Classification: Uncertain significance for Inborn genetic diseases. Last evaluated: 2025-07-11. Review status: criteria provided, single submitter. Criteria: Ambry Variant Classification Scheme 2023. Collection method: clinical testing. Allele origin: germline.
Comment: The p.G34S variant (also known as c.100G>A), located in coding exon 2 of the FANCG gene, results from a G to A substitution at nucleotide position 100. The glycine at codon 34 is replaced by serine, an amino acid with similar properties. This amino acid position is conserved. In addition, this alteration is predicted to be tolerated by in silico analysis. Based on the available evidence, the clinical significance of this variant remains unclear.

NM_004629.2(FANCG):c.100G>A (p.Gly34Ser)

Gene: FANCG (FA complementation group G; minus strand). Cytogenetic location: 9p13.3.
Variant type: single nucleotide variant.
Coding change: c.100G>A on transcript NM_004629.2 (MANE Select); coding-DNA position 100, G replaced by A.
Protein change: p.Gly34Ser; replaces glycine 34 with serine.
Molecular consequence: missense variant.
Genome position (GRCh38, 1-based): chr9:35,079,226, C>T on the plus strand (G>A on the coding strand, the complement: FANCG is on the minus strand). VCF-style: chr9-35079226-C-T. GRCh37 (hg19) VCF-style: chr9-35079223-C-T.
Other names: short protein forms G34S.
Identifiers: ClinVar variation 4254438 (VCV004254438.1).